The following is an entry in ClinVar:

NM_001367624.2(ZNF469):c.2130T>C (p.Pro710=)

Gene: ZNF469 (zinc finger protein 469; plus strand). Cytogenetic location: 16q24.2.
Variant type: single nucleotide variant.
Coding change: c.2130T>C on transcript NM_001367624.2 (MANE Select); coding-DNA position 2130, T replaced by C.
Protein change: p.Pro710=; no amino-acid change (proline 710 retained).
Molecular consequence: synonymous variant.
Genome position (GRCh38, 1-based): chr16:88,429,600, T>C. VCF-style: chr16-88429600-T-C. GRCh37 (hg19) VCF-style: chr16-88496008-T-C.
Other names: NM_001127464.1:c.2130T>C; p.Pro710=.
Identifiers: ClinVar variation 320882 (VCV000320882.23), dbSNP rs12918876, ClinGen allele CA8224747.

ClinVar aggregate classification (germline): Benign. Review status: criteria provided, multiple submitters, no conflicts (2 of 4 stars). 11 submissions from 11 submitters: Benign (8). 3 of the submissions do not count toward it. Last evaluated 2026-02-04.

Conditions:
Brittle cornea syndrome 1 (BCS1). Also called: DYSGENESIS MESODERMALIS CORNEAE ET SCLERAE; CORNEAL FRAGILITY, KERATOGLOBUS, BLUE SCLERAE, JOINT HYPEREXTENSIBILITY; EDS6B; FRAGILITAS OCULI WITH JOINT HYPEREXTENSIBILITY; Corneal fragility keratoglobus, blue sclerae AND joint hypermobility. Identifiers: Orphanet 90354, MedGen C0268344, MONDO:0024543, OMIM 229200.
Cardiovascular phenotype. Identifiers: MedGen CN230736.

Allele frequency attached by ClinVar (database versions not stated): 1000 Genomes Project 30x 0.59057; TOPMed 0.60166; gnomAD 0.60216 and 0.60929; 1000 Genomes Project 0.60443; gnomAD exomes 0.70057 and 0.70341; ExAC 0.74200.
gnomAD v4.1: 1,070,938 of 1,548,842 alleles (69%); highest among the groups gnomAD compares: South Asian, 76%; 375,717 homozygotes.

Submissions (11):

Labcorp Genetics (formerly Invitae), Labcorp
Classification: Benign. Last evaluated: 2026-02-04. Review status: criteria provided, single submitter. Criteria: Invitae Variant Classification Sherloc (09022015). Collection method: clinical testing. Allele origin: germline.

Women's Health and Genetics/Laboratory Corporation of America, LabCorp
Classification: Benign. Last evaluated: 2025-10-13. Review status: criteria provided, single submitter. Criteria: LabCorp Variant Classification Summary - May 2015. Collection method: clinical testing. Allele origin: germline.

Blueprint Genetics
Classification: Benign. Last evaluated: 2024-11-27. Review status: criteria provided, single submitter. Criteria: ACMG Guidelines, 2015. Collection method: clinical testing. Allele origin: germline.

Mayo Clinic Laboratories, Mayo Clinic
Classification: Benign. Last evaluated: 2022-04-26. Review status: criteria provided, single submitter. Criteria: ACMG Guidelines, 2015. Collection method: clinical testing. Allele origin: germline. Observed: 2,823 variant alleles.

Genome-Nilou Lab
Classification: Benign for Brittle cornea syndrome 1. Last evaluated: 2021-12-05. Review status: criteria provided, single submitter. Criteria: ACMG Guidelines, 2015. Collection method: clinical testing. Allele origin: germline. Affected: no.

Ambry Genetics
Classification: Benign for Cardiovascular phenotype. Last evaluated: 2018-12-04. Review status: criteria provided, single submitter. Criteria: Ambry Variant Classification Scheme 2023. Collection method: clinical testing. Allele origin: germline.

GeneDx
Classification: Benign. Last evaluated: 2016-09-29. Review status: criteria provided, single submitter. Criteria: GeneDx Variant Classification (06012015). Collection method: clinical testing. Allele origin: germline. Affected: yes.
Comment: This variant is considered likely benign or benign based on one or more of the following criteria: it is a conservative change, it occurs at a poorly conserved position in the protein, it is predicted to be benign by multiple in silico algorithms, and/or has population frequency not consistent with disease.

Breakthrough Genomics
Classification: Benign. Review status: criteria provided, single submitter. Criteria: ACMG Guidelines, 2015. Collection method: not provided. Allele origin: germline. Inheritance: Autosomal recessive inheritance. Affected: yes.

Genome Diagnostics Laboratory, Amsterdam University Medical Center
Classification: Benign for Brittle cornea syndrome 1. Last evaluated: 2016-01-15. Review status: no assertion criteria provided. Criteria: ACGS Guidelines, 2013. Collection method: clinical testing. Allele origin: germline. Affected: yes. Study: VKGL Data-share Consensus. Not counted in ClinVar's aggregate classification.

Diagnostic Laboratory, Department of Genetics, University Medical Center Groningen
Classification: Benign for Brittle cornea syndrome 1. Review status: no assertion criteria provided. Collection method: clinical testing. Allele origin: germline. Affected: yes. Study: VKGL Data-share Consensus. Not counted in ClinVar's aggregate classification.

Joint Genome Diagnostic Labs from Nijmegen and Maastricht, Radboudumc and MUMC+
Classification: Benign. Review status: no assertion criteria provided. Collection method: clinical testing. Allele origin: germline. Affected: yes. Study: VKGL Data-share Consensus. Not counted in ClinVar's aggregate classification.